The following is an entry in ClinVar:

NM_000642.3(AGL):c.1900-13T>A

Gene: AGL (amylo-alpha-1,6-glucosidase and 4-alpha-glucanotransferase; plus strand). Cytogenetic location: 1p21.2.
Variant type: single nucleotide variant.
Coding change: c.1900-13T>A on transcript NM_000642.3 (MANE Select); 13 bases into the intron before coding-DNA position 1900, T replaced by A.
Molecular consequence: intron variant.
Genome position (GRCh38, 1-based): chr1:99,881,063, T>A. VCF-style: chr1-99881063-T-A. GRCh37 (hg19) VCF-style: chr1-100346619-T-A.
Other names: c.1900-13T>A (NM_000643.3, NM_000644.3, NM_001425326.1 and 2 more transcripts); c.1852-13T>A (NM_000646.3); c.1699-13T>A (NM_001425327.1); c.1696-13T>A (NM_001425328.1, NM_001425329.1); c.1522-13T>A (NM_001425332.1).
Identifiers: ClinVar variation 801523 (VCV000801523.4), dbSNP rs533280246, ClinGen allele CA966632.
Genomic context (GRCh38, chr1:99,881,063, plus strand): 5'-TTCATTATGCTATAGAATAGCACTTTGCATTTGAAAGAAAGCAAACTTTTGCTTTGTTGT[T>A]GTTGTCTTCTAGCATAGATCAGCGTATGATGCTCTTCCAAGTACTACAATTGTTTCTATG-3'

ClinVar aggregate classification (germline): Uncertain significance. Review status: criteria provided, multiple submitters, no conflicts (2 of 4 stars). 3 submissions from 3 submitters: Uncertain significance (3). Last evaluated 2025-06-29.

Conditions:
Glycogen storage disease type III (GSD3). Also called: FORBES DISEASE; Cori disease. Identifiers: Orphanet 366, MedGen C0017922, MONDO:0009291, OMIM 232400.

gnomAD v4.1: 6 of 1,607,678 alleles (0.00037%); highest among the groups gnomAD compares: Admixed American, 0.0017%; no homozygotes.

Submissions (3):

Labcorp Genetics (formerly Invitae), Labcorp
Classification: Uncertain significance for Glycogen storage disease type III. Last evaluated: 2025-06-29. Review status: criteria provided, single submitter. Criteria: Invitae Variant Classification Sherloc (09022015). Collection method: clinical testing. Allele origin: germline.
Comment: This sequence change falls in intron 14 of the AGL gene. It does not directly change the encoded amino acid sequence of the AGL protein. This variant is present in population databases (rs533280246, gnomAD 0.002%). This variant has been observed in individual(s) with clinical features of glycogen storage disease type III (internal data). ClinVar contains an entry for this variant (Variation ID: 801523). Algorithms developed to predict the effect of sequence changes on RNA splicing suggest that this variant may disrupt the consensus splice site. In summary, the available evidence is currently insufficient to determine the role of this variant in disease. Therefore, it has been classified as a Variant of Uncertain Significance.

Genome-Nilou Lab
Classification: Uncertain significance for Glycogen storage disease type III. Last evaluated: 2023-04-11. Review status: criteria provided, single submitter. Criteria: ACMG Guidelines, 2015. Collection method: clinical testing. Allele origin: germline. Affected: no.

Mendelics
Classification: Uncertain significance for Glycogen storage disease type III. Last evaluated: 2019-05-28. Review status: criteria provided, single submitter. Criteria: Mendelics Assertion Criteria 2017. Collection method: clinical testing. Allele origin: unknown.